The following is an entry in ClinVar:

ClinVar aggregate classification (germline): Likely benign. Review status: criteria provided, multiple submitters, no conflicts (2 of 4 stars). 2 submissions from 2 submitters: Likely benign (2). Last evaluated 2025-09-08.

gnomAD v4.1: 897 of 1,594,732 alleles (0.056%); highest among the groups gnomAD compares: Non-Finnish European, 0.069%; no homozygotes.

Submissions (2):

Mayo Clinic Laboratories, Mayo Clinic
Classification: Likely benign. Last evaluated: 2025-09-08. Review status: criteria provided, single submitter. Criteria: ACMG Guidelines, 2015. Collection method: clinical testing. Allele origin: germline. Observed: 1 variant allele.
Comment: BP4, BP7

Laboratory of Genetics, Children's Clinical University Hospital Latvia
Classification: Likely benign. Last evaluated: 2025-02-16. Review status: criteria provided, single submitter. Criteria: ACMG Guidelines, 2015. Collection method: clinical testing. Allele origin: germline. Affected: yes.

NM_177924.5(ASAH1):c.78+22C>T

Gene: ASAH1 (N-acylsphingosine amidohydrolase 1; minus strand). Cytogenetic location: 8p22.
Variant type: single nucleotide variant.
Coding change: c.78+22C>T on transcript NM_177924.5 (MANE Select); 22 bases into the intron after coding-DNA position 78, C replaced by T.
Molecular consequence: intron variant.
Genome position (GRCh38, 1-based): chr8:18,083,959, G>A on the plus strand (C>T on the coding strand, the complement: ASAH1 is on the minus strand). VCF-style: chr8-18083959-G-A. GRCh37 (hg19) VCF-style: chr8-17941468-G-A.
Other names: p.?; c.126+717C>T (NM_004315.6, NM_001127505.3).
Identifiers: ClinVar variation 3910671 (VCV003910671.2).